The following is an entry in ClinVar:

NM_003482.4(KMT2D):c.673+10C>T

Gene: KMT2D (lysine methyltransferase 2D; minus strand). Cytogenetic location: 12q13.12.
Variant type: single nucleotide variant.
Coding change: c.673+10C>T on transcript NM_003482.4 (MANE Select); 10 bases into the intron after coding-DNA position 673, C replaced by T.
Molecular consequence: intron variant.
Genome position (GRCh38, 1-based): chr12:49,053,968, G>A on the plus strand (C>T on the coding strand, the complement: KMT2D is on the minus strand). VCF-style: chr12-49053968-G-A. GRCh37 (hg19) VCF-style: chr12-49447751-G-A.
Identifiers: ClinVar variation 3350737 (VCV003350737.1).
Genomic context (GRCh38, chr12:49,053,968, plus strand): 5'-GTAGAGTACAAAAATCCAAGGCACATTTGGTCTCTCATTTGCCCTATGACCAAAGATCAG[G>A]ACTTCTCACCCAGATATGCAGCCCCCTCACTGTGCTCTGGGCATAGCAGCTGCAGTGTTT-3'

ClinVar aggregate classification (germline): Likely benign (0 of 4 stars; one submission).

Conditions:
KMT2D-related disorder. Also called: KMT2D-Related Disorders.

Submission:

PreventionGenetics, part of Exact Sciences
Classification: Likely benign for KMT2D-related condition. Last evaluated: 2024-09-27. Review status: no assertion criteria provided. Collection method: clinical testing. Allele origin: germline.
Comment: This variant is classified as likely benign based on ACMG/AMP sequence variant interpretation guidelines (Richards et al. 2015 PMID: 25741868, with internal and published modifications).